The following is an entry in ClinVar:

ClinVar aggregate classification (germline): Conflicting classifications of pathogenicity. Review status: criteria provided, conflicting classifications (1 of 4 stars). 2 submissions from 2 submitters: Uncertain significance (1); Likely benign (1). Last evaluated 2023-10-05.

Conditions:
Left ventricular noncompaction 8 (LVNC8). Identifiers: Orphanet 154, Orphanet 54260, MedGen C3809288, MONDO:0014152, OMIM 615373.

Allele frequency attached by ClinVar (database versions not stated): gnomAD exomes below 0.00001; TOPMed 0.00001.
gnomAD v4.1: 2 of 1,611,696 alleles (0.00012%); highest among the groups gnomAD compares: East Asian, 0.0022%; no homozygotes.

Submissions (2):

GeneDx
Classification: Uncertain significance. Last evaluated: 2023-10-05. Review status: criteria provided, single submitter. Criteria: GeneDx Variant Classification Process June 2021. Collection method: clinical testing. Allele origin: germline. Affected: yes.
Comment: Has not been previously published as pathogenic or benign to our knowledge; Not observed at significant frequency in large population cohorts (gnomAD); In silico analysis supports that this variant does not alter splicing

Labcorp Genetics (formerly Invitae), Labcorp
Classification: Likely benign for Left ventricular noncompaction 8. Last evaluated: 2023-09-26. Review status: criteria provided, single submitter. Criteria: Invitae Variant Classification Sherloc (09022015). Collection method: clinical testing. Allele origin: germline.

NM_022114.4(PRDM16):c.39T>C (p.Ser13=)

Gene: PRDM16 (PR/SET domain 16; plus strand). Cytogenetic location: 1p36.32.
Variant type: single nucleotide variant.
Coding change: c.39T>C on transcript NM_022114.4 (MANE Select); coding-DNA position 39, T replaced by C.
Protein change: p.Ser13=; no amino-acid change (serine 13 retained).
Molecular consequence: synonymous variant.
Genome position (GRCh38, 1-based): chr1:3,186,126, T>C. VCF-style: chr1-3186126-T-C. GRCh37 (hg19) VCF-style: chr1-3102690-T-C.
Other names: c.39T>C, p.Ser13= (NM_199454.3).
Identifiers: ClinVar variation 700796 (VCV000700796.11), dbSNP rs1373869540, ClinGen allele CA415721908.